The following is an entry in ClinVar:

ClinVar aggregate classification (germline): Pathogenic. Review status: criteria provided, multiple submitters, no conflicts (2 of 4 stars). 4 submissions from 4 submitters: Pathogenic (2). 2 of the submissions do not count toward it. Last evaluated 2024-09-12.

Conditions:
CHD7-related disorder. Also called: CHD7-related condition.
CHARGE syndrome (CHARGE). Also called: Hittner Hirsch Kreh syndrome; Coloboma, heart anomaly, choanal atresia, retardation, genital and ear anomalies; CHARGE association; Hall-Hittner syndrome; CHARGE ASSOCIATION--COLOBOMA, HEART ANOMALY, CHOANAL ATRESIA, RETARDATION, GENITAL AND EAR ANOMALIES. Identifiers: Orphanet 138, MedGen C0265354, MONDO:0008965.

Submissions (4):

Blueprint Genetics
Classification: Pathogenic for CHD7-related disorders. Last evaluated: 2024-09-12. Review status: criteria provided, single submitter. Criteria: ACMG Guidelines, 2015. Collection method: clinical testing. Allele origin: de novo. Affected: yes. Observed: 1 variant allele.

Genomic Diagnostic Laboratory, Division of Genomic Diagnostics, Children's Hospital of Philadelphia
Classification: Pathogenic for CHARGE syndrome. Last evaluated: 2016-09-05. Review status: criteria provided, single submitter. Criteria: DGD Variant Analysis Guidelines. Collection method: clinical testing. Allele origin: germline. Affected: yes. Observed: 2 variant alleles.
Comment: Clinical Testing

Sbielas Lab-Department of Human Genetics University of Michigan, University of Michigan Medical School
Classification: Pathogenic for CHD7-related CHARGE syndrome. Last evaluated: 2017-10-27. Review status: no assertion criteria provided. Collection method: research. Allele origin: de novo. Affected: yes. Not counted in ClinVar's aggregate classification.

University of Washington Center for Mendelian Genomics, University of Washington
Classification: Likely pathogenic for CHARGE syndrome. Review status: no assertion criteria provided. Collection method: research. Allele origin: de novo. Affected: yes. Not counted in ClinVar's aggregate classification.

Literature cited by the submitters: PubMed 29300383 (cited by Sbielas Lab-Department of Human Genetics University of Michigan, University of Michigan Medical School and University of Washington Center for Mendelian Genomics, University of Washington).

NM_017780.4(CHD7):c.7802dup (p.Tyr2601Ter)

Gene: CHD7 (chromodomain helicase DNA binding protein 7; plus strand). Cytogenetic location: 8q12.2.
Variant type: Duplication.
Coding change: c.7802dup on transcript NM_017780.4 (MANE Select); coding-DNA position 7802, one base duplicated (A; older notation c.7802dupA).
Protein change: p.Tyr2601Ter; replaces tyrosine 2601 with a stop codon.
Molecular consequence: nonsense. On other transcripts: intron variant (1).
Genome position (GRCh38, 1-based): chr8:60,861,097, A duplicated. VCF-style (leftmost placement, unchanged base first): chr8-60861096-T-TA. GRCh37 (hg19) VCF-style: chr8-61773655-T-TA.
Other names: c.7802dup (LRG_176t1); c.7802dupA (NM_017780.4); c.1717-1132dup (NM_001316690.1); short protein forms Y2601*.
Identifiers: ClinVar variation 267438 (VCV000267438.5), dbSNP rs886040998, ClinGen allele CA10602505.